The following is an entry in ClinVar:

NM_130837.3(OPA1):c.178del (p.Gln60fs)

Gene: OPA1 (OPA1 mitochondrial dynamin like GTPase; plus strand). Cytogenetic location: 3q29.
Variant type: Deletion.
Coding change: c.178del on transcript NM_130837.3 (MANE Select); coding-DNA position 178, one base deleted (C; older notation c.178delC).
Protein change: p.Gln60fs; shifts the reading frame from glutamine 60.
Molecular consequence: frameshift variant. On other transcripts: 5 prime UTR variant (2).
Genome position (GRCh38, 1-based): chr3:193,614,868, C deleted. VCF-style (leftmost placement, unchanged base first): chr3-193614867-TC-T. GRCh37 (hg19) VCF-style: chr3-193332656-TC-T.
Other names: c.-195del (NM_001354663.2, NM_001354664.2); c.178del, p.Gln60fs (NM_015560.3, NM_130831.3, NM_130832.3 and 4 more transcripts); short protein forms Q60fs.
Identifiers: ClinVar variation 1993218 (VCV001993218.4), dbSNP rs2474576152, ClinGen allele CA2580070552.

ClinVar aggregate classification (germline): Pathogenic (1 of 4 stars; one submission).

Submission:

Labcorp Genetics (formerly Invitae), Labcorp
Classification: Pathogenic. Last evaluated: 2022-05-12. Review status: criteria provided, single submitter. Criteria: Invitae Variant Classification Sherloc (09022015). Collection method: clinical testing. Allele origin: germline.
Comment: For these reasons, this variant has been classified as Pathogenic. This variant has not been reported in the literature in individuals affected with OPA1-related conditions. This variant is not present in population databases (gnomAD no frequency). This sequence change creates a premature translational stop signal (p.Gln60Serfs*6) in the OPA1 gene. It is expected to result in an absent or disrupted protein product. Loss-of-function variants in OPA1 are known to be pathogenic (PMID: 11440988, 20157015, 20952381, 25012220).

Literature cited by the submitters: PubMed 11440988; PubMed 20157015; PubMed 20952381; PubMed 25012220.